The following is an entry in ClinVar:

NM_004656.4(BAP1):c.1191T>G (p.Asp397Glu)

Gene: BAP1 (BRCA1 associated deubiquitinase 1; minus strand). Cytogenetic location: 3p21.1.
Variant type: single nucleotide variant.
Coding change: c.1191T>G on transcript NM_004656.4 (MANE Select); coding-DNA position 1191, T replaced by G.
Protein change: p.Asp397Glu; replaces aspartic acid 397 with glutamic acid.
Molecular consequence: missense variant.
Genome position (GRCh38, 1-based): chr3:52,404,512, A>C on the plus strand (T>G on the coding strand, the complement: BAP1 is on the minus strand). VCF-style: chr3-52404512-A-C. GRCh37 (hg19) VCF-style: chr3-52438528-A-C.
Other names: short protein forms D397E.
Identifiers: ClinVar variation 924753 (VCV000924753.13), dbSNP rs1273468859, ClinGen allele CA353103076.
Genomic context (GRCh38, chr3:52,404,512, plus strand): 5'-CCTAAGGGCAGAGTTGGTGTTCTGCACGTCATCCTCCTCGTCATCCTCATAGTCATCCTC[A>C]TCATCTGAGTACTGCTGGGGTGGGCGGACTGGAACTCGGCTGCGGCCCACACCTGCCGCC-3'
Protein context (NP_004647.1, residues 387-407): PVRPPQQYSD[Asp397Glu]EDDYEDDEED

ClinVar aggregate classification (germline): Conflicting classifications of pathogenicity. Review status: criteria provided, conflicting classifications (1 of 4 stars). 4 submissions from 4 submitters: Uncertain significance (3); Likely benign (1). Last evaluated 2025-03-31.

Conditions:
Hereditary cancer-predisposing syndrome. Also called: Neoplastic Syndromes, Hereditary; Tumor predisposition; Hereditary Cancer Syndrome; Hereditary neoplastic syndrome. Identifiers: Orphanet 140162, MedGen C0027672, MeSH D009386, MONDO:0015356.
BAP1-related tumor predisposition syndrome (TPDS1). Also called: Tumor susceptibility linked to germline BAP1 mutations; COMMON Syndrome; TUMOR PREDISPOSITION SYNDROME 1; BAP1 tumor predisposition syndrome. Identifiers: Orphanet 289539, MedGen C3280492, MONDO:0013692, OMIM 614327.

Allele frequency attached by ClinVar (database versions not stated): TOPMed below 0.00001.

Submissions (4):

Color Diagnostics, LLC DBA Color Health
Classification: Uncertain significance for Hereditary cancer-predisposing syndrome. Last evaluated: 2025-03-31. Review status: criteria provided, single submitter. Criteria: ACMG Guidelines, 2015. Collection method: clinical testing. Allele origin: germline.
Comment: This missense variant replaces aspartic acid with glutamic acid at codon 397 of the BAP1 protein. Computational prediction suggests that this variant may not impact protein structure and function (internally defined REVEL score threshold <= 0.5, PMID: 27666373). To our knowledge, functional studies have not been reported for this variant. This variant has not been reported in individuals affected with hereditary cancer in the literature. This variant has not been identified in the general population by the Genome Aggregation Database (gnomAD). The available evidence is insufficient to determine the role of this variant in disease conclusively. Therefore, this variant is classified as a Variant of Uncertain Significance.

Labcorp Genetics (formerly Invitae), Labcorp
Classification: Uncertain significance for BAP1-related tumor predisposition syndrome. Last evaluated: 2025-03-05. Review status: criteria provided, single submitter. Criteria: Invitae Variant Classification Sherloc (09022015). Collection method: clinical testing. Allele origin: germline.
Comment: This sequence change replaces aspartic acid, which is acidic and polar, with glutamic acid, which is acidic and polar, at codon 397 of the BAP1 protein (p.Asp397Glu). This variant is not present in population databases (gnomAD no frequency). This variant has not been reported in the literature in individuals affected with BAP1-related conditions. ClinVar contains an entry for this variant (Variation ID: 924753). Invitae Evidence Modeling of protein sequence and biophysical properties (such as structural, functional, and spatial information, amino acid conservation, physicochemical variation, residue mobility, and thermodynamic stability) indicates that this missense variant is not expected to disrupt BAP1 protein function with a negative predictive value of 80%. In summary, the available evidence is currently insufficient to determine the role of this variant in disease. Therefore, it has been classified as a Variant of Uncertain Significance.

Ambry Genetics
Classification: Likely benign for Hereditary cancer-predisposing syndrome. Last evaluated: 2024-11-25. Review status: criteria provided, single submitter. Criteria: Ambry Variant Classification Scheme 2023. Collection method: clinical testing. Allele origin: germline.

GeneDx
Classification: Uncertain significance. Last evaluated: 2023-07-05. Review status: criteria provided, single submitter. Criteria: GeneDx Variant Classification Process June 2021. Collection method: clinical testing. Allele origin: germline. Affected: yes.
Comment: Not observed at significant frequency in large population cohorts (gnomAD); In silico analysis supports that this missense variant does not alter protein structure/function; Has not been previously published as pathogenic or benign to our knowledge